The following is an entry in ClinVar:

NM_001386928.1(CHURC1):c.170A>G (p.Tyr57Cys)

Genes: CHURC1 (churchill domain containing 1; plus strand), CHURC1-FNTB (CHURC1-FNTB readthrough; plus strand). Cytogenetic location: 14q23.3.
Variant type: single nucleotide variant.
Coding change: c.170A>G on transcript NM_001386928.1 (MANE Select); coding-DNA position 170, A replaced by G.
Protein change: p.Tyr57Cys; replaces tyrosine 57 with cysteine.
Molecular consequence: missense variant. On other transcripts: initiator codon variant (1).
Genome position (GRCh38, 1-based): chr14:64,924,121, A>G. VCF-style: chr14-64924121-A-G. GRCh37 (hg19) VCF-style: chr14-65390839-A-G.
Other names: c.1A>G, p.Met1Val (NM_001202558.2); c.251A>G, p.Tyr84Cys (NM_001202559.1); c.170A>G, p.Tyr57Cys (NM_001204064.2, NM_145165.4); short protein forms M1V, Y84C, Y57C.
Identifiers: ClinVar variation 782958 (VCV000782958.29), dbSNP rs141194013, ClinGen allele CA7231677.
Genomic context (GRCh38, chr14:64,924,121, plus strand): 5'-ATTTTATGCTGATCACAAACAAATCCTTGAAAGAAGAAGATGGAGAAGAAATAGTTACCT[A>G]TGATCGTAAGTAGACTTTATTTTTTAACCTGAGTGTGTTAGCAGGTGTCAGCTTTTGGAA-3'
Protein context (NP_001373857.1, residues 47-67): KEEDGEEIVT[Tyr57Cys]DHLCKNCHHV

ClinVar aggregate classification (germline): Benign/Likely benign. Review status: criteria provided, multiple submitters, no conflicts (2 of 4 stars). 3 submissions from 3 submitters: Benign (2); Likely benign (1). Last evaluated 2023-01-01.

Allele frequency attached by ClinVar (database versions not stated): 1000 Genomes Project 0.00140; 1000 Genomes Project 30x 0.00141; TOPMed 0.00238; gnomAD 0.00305 and 0.00311; gnomAD exomes 0.00352 and 0.00398; ExAC 0.00402; ESP Exome Variant Server 0.00415.
gnomAD v4.1: 6,189 of 1,607,926 alleles (0.38%); highest among the groups gnomAD compares: Non-Finnish European, 0.45%; 25 homozygotes.

Submissions (3):

CeGaT Center for Human Genetics Tuebingen
Classification: Likely benign. Last evaluated: 2023-01-01. Review status: criteria provided, single submitter. Criteria: CeGaT Center For Human Genetics Tuebingen Variant Classification Criteria Version 2. Collection method: clinical testing. Allele origin: germline. Affected: yes. Observed: 1 variant allele.
Comment: CHURC1: BS2; CHURC1-FNTB: BS2

Labcorp Genetics (formerly Invitae), Labcorp
Classification: Benign. Last evaluated: 2018-06-19. Review status: criteria provided, single submitter. Criteria: Invitae Variant Classification Sherloc (09022015). Collection method: clinical testing. Allele origin: germline.

Breakthrough Genomics
Classification: Benign. Review status: criteria provided, single submitter. Criteria: ACMG Guidelines, 2015. Collection method: not provided. Allele origin: germline. Inheritance: Unknown mechanism. Affected: yes.